The following is an entry in ClinVar:

NM_001852.4(COL9A2):c.902G>T (p.Gly301Val)

Gene: COL9A2 (collagen type IX alpha 2 chain; minus strand). Cytogenetic location: 1p34.2.
Variant type: single nucleotide variant.
Coding change: c.902G>T on transcript NM_001852.4 (MANE Select); coding-DNA position 902, G replaced by T.
Protein change: p.Gly301Val; replaces glycine 301 with valine.
Molecular consequence: missense variant.
Genome position (GRCh38, 1-based): chr1:40,307,755, C>A on the plus strand (G>T on the coding strand, the complement: COL9A2 is on the minus strand). VCF-style: chr1-40307755-C-A. GRCh37 (hg19) VCF-style: chr1-40773427-C-A.
Other names: short protein forms G301V.
Identifiers: ClinVar variation 1351712 (VCV001351712.6), dbSNP rs372191928, ClinGen allele CA339852737.

ClinVar aggregate classification (germline): Uncertain significance (1 of 4 stars; one submission).

gnomAD v4.1: 2 of 1,614,072 alleles (0.00012%); highest among the groups gnomAD compares: Non-Finnish European, 0.000085%; no homozygotes.

Submission:

Labcorp Genetics (formerly Invitae), Labcorp
Classification: Uncertain significance. Last evaluated: 2024-11-05. Review status: criteria provided, single submitter. Criteria: Invitae Variant Classification Sherloc (09022015). Collection method: clinical testing. Allele origin: germline.
Comment: This sequence change replaces glycine, which is neutral and non-polar, with valine, which is neutral and non-polar, at codon 301 of the COL9A2 protein (p.Gly301Val). This variant is present in population databases (no rsID available, gnomAD 0.0009%). This variant has not been reported in the literature in individuals affected with COL9A2-related conditions. ClinVar contains an entry for this variant (Variation ID: 1351712). An algorithm developed to predict the effect of missense changes on protein structure and function (PolyPhen-2) suggests that this variant is likely to be disruptive. In summary, the available evidence is currently insufficient to determine the role of this variant in disease. Therefore, it has been classified as a Variant of Uncertain Significance.